The following is an entry in ClinVar:

NM_004655.4(AXIN2):c.1705C>A (p.Gln569Lys)

Gene: AXIN2 (axin 2; minus strand). Cytogenetic location: 17q24.1.
Variant type: single nucleotide variant.
Coding change: c.1705C>A on transcript NM_004655.4 (MANE Select); coding-DNA position 1705, C replaced by A.
Protein change: p.Gln569Lys; replaces glutamine 569 with lysine.
Molecular consequence: missense variant.
Genome position (GRCh38, 1-based): chr17:65,537,331, G>T on the plus strand (C>A on the coding strand, the complement: AXIN2 is on the minus strand). VCF-style: chr17-65537331-G-T. GRCh37 (hg19) VCF-style: chr17-63533449-G-T.
Other names: c.1705C>A, p.Gln569Lys (NM_001363813.1); short protein forms Q569K.
Identifiers: ClinVar variation 3638991 (VCV003638991.2).
Genomic context (GRCh38, chr17:65,537,331, plus strand): 5'-CCTGGCTGGGAGACAAGCCCCACACGGGACACTGCGGTCCGCCCGGCACTTACCCAAACT[G>T]CTCGCTGGGCATGGTTTCCGGAGCCTTGGAGTGGCTTTTGCATTTCGAGTAGCAGTAATA-3'
Protein context (NP_004646.3, residues 559-579): SKAPETMPSE[Gln569Lys]FGGSRGSTLP

ClinVar aggregate classification (germline): Uncertain significance (1 of 4 stars; one submission).

Conditions:
Oligodontia-cancer predisposition syndrome. Also called: TOOTH AGENESIS-COLORECTAL CANCER SYNDROME. Identifiers: Orphanet 300576, MedGen C1837750, MONDO:0012075, OMIM 608615. Disease mechanism: loss of function.

Submission:

Labcorp Genetics (formerly Invitae), Labcorp
Classification: Uncertain significance for Oligodontia-cancer predisposition syndrome. Last evaluated: 2024-02-05. Review status: criteria provided, single submitter. Criteria: Invitae Variant Classification Sherloc (09022015). Collection method: clinical testing. Allele origin: germline.
Comment: This sequence change replaces glutamine, which is neutral and polar, with lysine, which is basic and polar, at codon 569 of the AXIN2 protein (p.Gln569Lys). This variant is not present in population databases (gnomAD no frequency). This variant has not been reported in the literature in individuals affected with AXIN2-related conditions. Advanced modeling of protein sequence and biophysical properties (such as structural, functional, and spatial information, amino acid conservation, physicochemical variation, residue mobility, and thermodynamic stability) performed at Invitae indicates that this missense variant is not expected to disrupt AXIN2 protein function with a negative predictive value of 80%. In summary, the available evidence is currently insufficient to determine the role of this variant in disease. Therefore, it has been classified as a Variant of Uncertain Significance.